The following is an entry in ClinVar:

ClinVar aggregate classification (germline): Uncertain significance. Review status: criteria provided, multiple submitters, no conflicts (2 of 4 stars). 3 submissions from 3 submitters: Uncertain significance (3). Last evaluated 2023-04-11.

Conditions:
Inborn genetic diseases. Identifiers: MedGen C0950123, MeSH D030342.
Maple syrup urine disease (MSUD). Identifiers: Orphanet 511, MedGen C0024776, MeSH D008375, MONDO:0009563. Disease mechanism: loss of function.

Allele frequency attached by ClinVar (database versions not stated): gnomAD exomes below 0.00001; gnomAD 0.00001.
gnomAD v4.1: 7 of 1,613,106 alleles (0.00043%); highest among the groups gnomAD compares: Admixed American, 0.01%; no homozygotes.

Submissions (3):

Genome-Nilou Lab
Classification: Uncertain significance for Maple syrup urine disease type 1A. Last evaluated: 2023-04-11. Review status: criteria provided, single submitter. Criteria: ACMG Guidelines, 2015. Collection method: clinical testing. Allele origin: germline. Affected: no.

Labcorp Genetics (formerly Invitae), Labcorp
Classification: Uncertain significance for Maple syrup urine disease. Last evaluated: 2022-08-15. Review status: criteria provided, single submitter. Criteria: Invitae Variant Classification Sherloc (09022015). Collection method: clinical testing. Allele origin: germline.
Comment: This sequence change replaces cysteine, which is neutral and slightly polar, with phenylalanine, which is neutral and non-polar, at codon 279 of the DBT protein (p.Cys279Phe). This variant is not present in population databases (gnomAD no frequency). This variant has not been reported in the literature in individuals affected with DBT-related conditions. ClinVar contains an entry for this variant (Variation ID: 1045029). Advanced modeling of protein sequence and biophysical properties (such as structural, functional, and spatial information, amino acid conservation, physicochemical variation, residue mobility, and thermodynamic stability) performed at Invitae indicates that this missense variant is not expected to disrupt DBT protein function. In summary, the available evidence is currently insufficient to determine the role of this variant in disease. Therefore, it has been classified as a Variant of Uncertain Significance.

Ambry Genetics
Classification: Uncertain significance for Inborn genetic diseases. Last evaluated: 2021-11-15. Review status: criteria provided, single submitter. Criteria: Ambry Variant Classification Scheme 2023. Collection method: clinical testing. Allele origin: germline.

NM_001918.5(DBT):c.836G>T (p.Cys279Phe)

Gene: DBT (dihydrolipoamide branched chain transacylase E2; minus strand). Cytogenetic location: 1p21.2.
Variant type: single nucleotide variant.
Coding change: c.836G>T on transcript NM_001918.5 (MANE Select); coding-DNA position 836, G replaced by T.
Protein change: p.Cys279Phe; replaces cysteine 279 with phenylalanine.
Molecular consequence: missense variant.
Genome position (GRCh38, 1-based): chr1:100,214,920, C>A on the plus strand (G>T on the coding strand, the complement: DBT is on the minus strand). VCF-style: chr1-100214920-C-A. GRCh37 (hg19) VCF-style: chr1-100680476-C-A.
Other names: c.836G>T (NM_001918.2); short protein forms C279F.
Identifiers: ClinVar variation 1045029 (VCV001045029.5), dbSNP rs1662392597, ClinGen allele CA341337644.